The following is an entry in ClinVar:

NM_000376.3(VDR):c.*11C>T

Gene: VDR (vitamin D receptor; minus strand). Cytogenetic location: 12q13.11.
Variant type: single nucleotide variant.
Coding change: c.*11C>T on transcript NM_000376.3 (MANE Select); 11 bases downstream of the stop codon, C replaced by T.
Molecular consequence: 3 prime UTR variant. On other transcripts: missense variant (1).
Genome position (GRCh38, 1-based): chr12:47,844,735, G>A on the plus strand (C>T on the coding strand, the complement: VDR is on the minus strand). VCF-style: chr12-47844735-G-A. GRCh37 (hg19) VCF-style: chr12-48238518-G-A.
Other names: c.1295C>T (NM_001364085.1); c.*11C>T (NM_001017535.2, NM_001017536.2, NM_001374661.1 and 1 more transcripts); c.1295C>T, p.Pro432Leu (NM_001364085.2); short protein forms P432L.
Identifiers: ClinVar variation 3902136 (VCV003902136.2).
Genomic context (GRCh38, chr12:47,844,735, plus strand): 5'-CGCCAGCCCCGGGCCTGGCACGTGGCCCTGGAGGAGCAGCCCCACCCAGGCACCGCCACA[G>A]GCTGTCCTAGTCAGGAGATCTCATTGCCAAACACTTCGAGCACAAGGGGCGTTAGCTTCA-3'

ClinVar aggregate classification (germline): Conflicting classifications of pathogenicity. Review status: criteria provided, conflicting classifications (1 of 4 stars). 2 submissions from 2 submitters: Uncertain significance (1); Likely benign (1). Last evaluated 2026-07-15.

Conditions:
VDR-related disorder. Also called: VDR-related condition.

gnomAD v4.1: 359 of 1,613,582 alleles (0.022%); highest among the groups gnomAD compares: Non-Finnish European, 0.028%; no homozygotes.

Submissions (2):

PreventionGenetics, part of Exact Sciences
Classification: Likely benign for VDR-related condition. Last evaluated: 2026-07-15. Review status: criteria provided, single submitter. Criteria: ACMG Guidelines, 2015. Collection method: clinical testing. Allele origin: germline.
Comment: This variant is classified as likely benign based on ACMG/AMP sequence variant interpretation guidelines (Richards et al. 2015 PMID: 25741868, with internal and published modifications).

Women's Health and Genetics/Laboratory Corporation of America, LabCorp
Classification: Uncertain significance. Last evaluated: 2025-05-19. Review status: criteria provided, single submitter. Criteria: LabCorp Variant Classification Summary - May 2015. Collection method: clinical testing. Allele origin: germline.
Comment: Variant summary: VDR c.*11C>T is located in the untranslated mRNA region downstream of the termination codon. The variant allele was found at a frequency of 6.4e-05 in 250990 control chromosomes. This frequency is not significantly higher than estimated for a pathogenic variant in VDR causing Vitamin D-Dependent Rickets Type II With Alopecia, allowing no conclusion about variant significance. To our knowledge, no occurrence of c.*11C>T in individuals affected with Vitamin D-Dependent Rickets Type II With Alopecia and no experimental evidence demonstrating its impact on protein function have been reported. No submitters have cited clinical-significance assessments for this variant to ClinVar. Based on the evidence outlined above, the variant was classified as uncertain significance.